The following is an entry in ClinVar:

ClinVar aggregate classification (germline): Uncertain significance. Review status: criteria provided, multiple submitters, no conflicts (2 of 4 stars). 2 submissions from 2 submitters: Uncertain significance (2). Last evaluated 2025-03-07.

Conditions:
Hereditary cancer-predisposing syndrome. Also called: Hereditary neoplastic syndrome; Hereditary Cancer Syndrome; Neoplastic Syndromes, Hereditary; Tumor predisposition. Identifiers: Orphanet 140162, MedGen C0027672, MeSH D009386, MONDO:0015356.
Neuroblastoma, susceptibility to, 3. Also called: ALK-Related Neuroblastic Tumor Susceptibility. Identifiers: Orphanet 635, MedGen C2751681, MONDO:0013083, OMIM 613014.

Allele frequency attached by ClinVar (database versions not stated): gnomAD exomes below 0.00001; ExAC 0.00001.
gnomAD v4.1: 2 of 1,614,104 alleles (0.00012%); highest among the groups gnomAD compares: African/African-American, 0.0013%; no homozygotes.

Submissions (2):

Ambry Genetics
Classification: Uncertain significance for Hereditary cancer-predisposing syndrome. Last evaluated: 2025-03-07. Review status: criteria provided, single submitter. Criteria: Ambry Variant Classification Scheme 2023. Collection method: clinical testing. Allele origin: germline.
Comment: The p.G618E variant (also known as c.1853G>A), located in coding exon 10 of the ALK gene, results from a G to A substitution at nucleotide position 1853. The glycine at codon 618 is replaced by glutamic acid, an amino acid with similar properties. This amino acid position is highly conserved in available vertebrate species. In addition, the in silico prediction for this alteration is inconclusive. Based on the available evidence, the clinical significance of this variant remains unclear.

Labcorp Genetics (formerly Invitae), Labcorp
Classification: Uncertain significance for Neuroblastoma, susceptibility to, 3. Last evaluated: 2023-08-10. Review status: criteria provided, single submitter. Criteria: Invitae Variant Classification Sherloc (09022015). Collection method: clinical testing. Allele origin: germline.
Comment: In summary, the available evidence is currently insufficient to determine the role of this variant in disease. Therefore, it has been classified as a Variant of Uncertain Significance. An algorithm developed to predict the effect of missense changes on protein structure and function (PolyPhen-2) suggests that this variant is likely to be disruptive. ClinVar contains an entry for this variant (Variation ID: 1364566). This variant has not been reported in the literature in individuals affected with ALK-related conditions. This variant is present in population databases (rs766821017, gnomAD 0.007%). This sequence change replaces glycine, which is neutral and non-polar, with glutamic acid, which is acidic and polar, at codon 618 of the ALK protein (p.Gly618Glu).

NM_004304.5(ALK):c.1853G>A (p.Gly618Glu)

Gene: ALK (ALK receptor tyrosine kinase; minus strand). Cytogenetic location: 2p23.2.
Variant type: single nucleotide variant.
Coding change: c.1853G>A on transcript NM_004304.5 (MANE Select); coding-DNA position 1853, G replaced by A.
Protein change: p.Gly618Glu; replaces glycine 618 with glutamic acid.
Molecular consequence: missense variant.
Genome position (GRCh38, 1-based): chr2:29,275,461, C>T on the plus strand (G>A on the coding strand, the complement: ALK is on the minus strand). VCF-style: chr2-29275461-C-T. GRCh37 (hg19) VCF-style: chr2-29498327-C-T.
Other names: c.1853G>A (NM_004304.4); short protein forms G618E.
Identifiers: ClinVar variation 1364566 (VCV001364566.9), dbSNP rs766821017, ClinGen allele CA1594506.